The following is an entry in ClinVar:

NM_207122.2(EXT2):c.1205C>A (p.Ser402Ter)

Gene: EXT2 (exostosin glycosyltransferase 2; plus strand). Cytogenetic location: 11p11.2.
Variant type: single nucleotide variant.
Coding change: c.1205C>A on transcript NM_207122.2 (MANE Select); coding-DNA position 1205, C replaced by A.
Protein change: p.Ser402Ter; replaces serine 402 with a stop codon.
Molecular consequence: nonsense. On other transcripts: intron variant (1).
Genome position (GRCh38, 1-based): chr11:44,171,642, C>A. VCF-style: chr11-44171642-C-A. GRCh37 (hg19) VCF-style: chr11-44193192-C-A.
Other names: c.1304C>A, p.Ser435Ter (NM_000401.3); c.1205C>A, p.Ser402Ter (NM_001389628.1, NM_001389630.1); c.1267-32C>A (NM_001178083.3); short protein forms S402*, S435*.
Identifiers: ClinVar variation 862385 (VCV000862385.10), dbSNP rs1955075568, ClinGen allele CA380175214.

ClinVar aggregate classification (germline): Pathogenic (1 of 4 stars; one submission).

Conditions:
Exostoses, multiple, type 2 (EXT2). Also called: EXOSTOSES, MULTIPLE, TYPE II; Hereditary Multiple Osteochondromatosis, Type II. Identifiers: Orphanet 321, MedGen C1851413, MONDO:0007586, OMIM 133701.

Submission:

Labcorp Genetics (formerly Invitae), Labcorp
Classification: Pathogenic for Exostoses, multiple, type 2. Last evaluated: 2025-11-01. Review status: criteria provided, single submitter. Criteria: Invitae Variant Classification Sherloc (09022015). Collection method: clinical testing. Allele origin: germline.
Comment: This sequence change creates a premature translational stop signal (p.Ser402*) in the EXT2 gene. It is expected to result in an absent or disrupted protein product. Loss-of-function variants in EXT2 are known to be pathogenic (PMID: 10679937, 19810120). This variant is not present in population databases (gnomAD no frequency). This premature translational stop signal has been observed in individual(s) with multiple osteochondromas (PMID: 16088908). ClinVar contains an entry for this variant (Variation ID: 862385). For these reasons, this variant has been classified as Pathogenic.

Literature cited by the submitters: PubMed 10679937; PubMed 19810120; PubMed 16088908.